The following is an entry in ClinVar:

ClinVar aggregate classification (germline): Uncertain significance (1 of 4 stars; one submission).

Allele frequency attached by ClinVar (database versions not stated): gnomAD exomes below 0.00001; TOPMed 0.00002.

Submission:

Labcorp Genetics (formerly Invitae), Labcorp
Classification: Uncertain significance. Last evaluated: 2024-07-23. Review status: criteria provided, single submitter. Criteria: Invitae Variant Classification Sherloc (09022015). Collection method: clinical testing. Allele origin: germline.
Comment: This sequence change replaces glutamic acid, which is acidic and polar, with lysine, which is basic and polar, at codon 250 of the IHH protein (p.Glu250Lys). This variant is not present in population databases (gnomAD no frequency). This variant has not been reported in the literature in individuals affected with IHH-related conditions. ClinVar contains an entry for this variant (Variation ID: 1449825). Advanced modeling of protein sequence and biophysical properties (such as structural, functional, and spatial information, amino acid conservation, physicochemical variation, residue mobility, and thermodynamic stability) performed at Invitae indicates that this missense variant is not expected to disrupt IHH protein function with a negative predictive value of 80%. In summary, the available evidence is currently insufficient to determine the role of this variant in disease. Therefore, it has been classified as a Variant of Uncertain Significance.

NM_002181.4(IHH):c.748G>A (p.Glu250Lys)

Gene: IHH (Indian hedgehog signaling molecule; minus strand). Cytogenetic location: 2q35.
Variant type: single nucleotide variant.
Coding change: c.748G>A on transcript NM_002181.4 (MANE Select); coding-DNA position 748, G replaced by A.
Protein change: p.Glu250Lys; replaces glutamic acid 250 with lysine.
Molecular consequence: missense variant.
Genome position (GRCh38, 1-based): chr2:219,055,695, C>T on the plus strand (G>A on the coding strand, the complement: IHH is on the minus strand). VCF-style: chr2-219055695-C-T. GRCh37 (hg19) VCF-style: chr2-219920417-C-T.
Other names: short protein forms E250K.
Identifiers: ClinVar variation 1449825 (VCV001449825.8), dbSNP rs1948824514, ClinGen allele CA350632417.